The following is an entry in ClinVar:

NM_014915.3(ANKRD26):c.4765G>A (p.Val1589Met)

Gene: ANKRD26 (ankyrin repeat domain 26; minus strand). Cytogenetic location: 10p12.1.
Variant type: single nucleotide variant.
Coding change: c.4765G>A on transcript NM_014915.3 (MANE Select); coding-DNA position 4765, G replaced by A.
Protein change: p.Val1589Met; replaces valine 1589 with methionine.
Molecular consequence: missense variant.
Genome position (GRCh38, 1-based): chr10:27,013,070, C>T on the plus strand (G>A on the coding strand, the complement: ANKRD26 is on the minus strand). VCF-style: chr10-27013070-C-T. GRCh37 (hg19) VCF-style: chr10-27301999-C-T.
Other names: c.4762G>A, p.Val1588Met (NM_001256053.2); short protein forms V1589M, V1588M.
Identifiers: ClinVar variation 4845137 (VCV004845137.1).

ClinVar aggregate classification (germline): Uncertain significance (1 of 4 stars; one submission).

Conditions:
Inborn genetic diseases. Identifiers: MedGen C0950123, MeSH D030342.

Submission:

Ambry Genetics
Classification: Uncertain significance for Inborn genetic diseases. Last evaluated: 2026-02-13. Review status: criteria provided, single submitter. Criteria: Ambry Variant Classification Scheme 2023. Collection method: clinical testing. Allele origin: germline.
Comment: The p.V1589M variant (also known as c.4765G>A), located in coding exon 32 of the ANKRD26 gene, results from a G to A substitution at nucleotide position 4765. The valine at codon 1589 is replaced by methionine, an amino acid with highly similar properties. This amino acid position is conserved. In addition, this alteration is predicted to be tolerated by in silico analysis. Based on the available evidence, the clinical significance of this variant remains unclear.